The following is an entry in ClinVar:

ClinVar aggregate classification (germline): Uncertain significance (1 of 4 stars; one submission).

Conditions:
Progressive familial heart block type IB (PFHB1B). Identifiers: Orphanet 871, MedGen C1970298, MONDO:0011474, OMIM 604559.

gnomAD v4.1: 3 of 1,614,024 alleles (0.00019%); highest among the groups gnomAD compares: Non-Finnish European, 0.00025%; no homozygotes.

Submission:

Labcorp Genetics (formerly Invitae), Labcorp
Classification: Uncertain significance for Progressive familial heart block type IB. Last evaluated: 2025-01-12. Review status: criteria provided, single submitter. Criteria: Invitae Variant Classification Sherloc (09022015). Collection method: clinical testing. Allele origin: germline.
Comment: This sequence change creates a premature translational stop signal (p.Lys1115*) in the TRPM4 gene. It is expected to result in an absent or disrupted protein product. However, the current clinical and genetic evidence is not sufficient to establish whether loss-of-function variants in TRPM4 cause disease. This variant is not present in population databases (gnomAD no frequency). This variant has not been reported in the literature in individuals affected with TRPM4-related conditions. Algorithms developed to predict the effect of sequence changes on RNA splicing suggest that this variant may create or strengthen a splice site. In summary, the available evidence is currently insufficient to determine the role of this variant in disease. Therefore, it has been classified as a Variant of Uncertain Significance.

NM_017636.4(TRPM4):c.3343A>T (p.Lys1115Ter)

Gene: TRPM4 (transient receptor potential cation channel subfamily M member 4; plus strand). Cytogenetic location: 19q13.33.
Variant type: single nucleotide variant.
Coding change: c.3343A>T on transcript NM_017636.4 (MANE Select); coding-DNA position 3343, A replaced by T.
Protein change: p.Lys1115Ter; replaces lysine 1115 with a stop codon.
Molecular consequence: nonsense.
Genome position (GRCh38, 1-based): chr19:49,210,724, A>T. VCF-style: chr19-49210724-A-T. GRCh37 (hg19) VCF-style: chr19-49713981-A-T.
Other names: c.2908A>T, p.Lys970Ter (NM_001195227.2); c.2998A>T, p.Lys1000Ter (NM_001321281.2); c.1735A>T, p.Lys579Ter (NM_001321282.2); c.2821A>T, p.Lys941Ter (NM_001321283.2); c.2281A>T, p.Lys761Ter (NM_001321285.2); short protein forms K941*, K1000*, K1115*, K579*, K761*, K970*.
Identifiers: ClinVar variation 3704230 (VCV003704230.2).
Genomic context (GRCh38, chr19:49,210,724, plus strand): 5'-GGGAAGGGGCGTGGCCTGAGCCCTTTGACTCCGCCCGCCCCTGCAGGGGTTTACCTTTCT[A>T]AGGAAGCCGAGCGGAAGCTGCTAACGTGGGAATCGGTGCATAAGGAGAACTTTCTGCTGG-3'